The following is an entry in ClinVar:

ClinVar aggregate classification (germline): Uncertain significance (1 of 4 stars; one submission).

Allele frequency attached by ClinVar (database versions not stated): ExAC 0.00001; gnomAD 0.00002; gnomAD exomes 0.00002; TOPMed 0.00002; ESP Exome Variant Server 0.00008.
gnomAD v4.1: 30 of 1,612,388 alleles (0.0019%); highest among the groups gnomAD compares: Non-Finnish European, 0.0023%; no homozygotes.

Submission:

Labcorp Genetics (formerly Invitae), Labcorp
Classification: Uncertain significance. Last evaluated: 2023-11-16. Review status: criteria provided, single submitter. Criteria: Invitae Variant Classification Sherloc (09022015). Collection method: clinical testing. Allele origin: germline.
Comment: This sequence change replaces glutamine, which is neutral and polar, with glutamic acid, which is acidic and polar, at codon 586 of the MAP3K7 protein (p.Gln586Glu). This variant is present in population databases (rs149129500, gnomAD 0.005%). This variant has not been reported in the literature in individuals affected with MAP3K7-related conditions. An algorithm developed to predict the effect of missense changes on protein structure and function (PolyPhen-2) suggests that this variant is likely to be disruptive. In summary, the available evidence is currently insufficient to determine the role of this variant in disease. Therefore, it has been classified as a Variant of Uncertain Significance.

NM_145331.3(MAP3K7):c.1756C>G (p.Gln586Glu)

Gene: MAP3K7 (mitogen-activated protein kinase kinase kinase 7; minus strand). Cytogenetic location: 6q15.
Variant type: single nucleotide variant.
Coding change: c.1756C>G on transcript NM_145331.3 (MANE Select); coding-DNA position 1756, C replaced by G.
Protein change: p.Gln586Glu; replaces glutamine 586 with glutamic acid.
Molecular consequence: missense variant. On other transcripts: 3 prime UTR variant (2).
Genome position (GRCh38, 1-based): chr6:90,516,566, G>C on the plus strand (C>G on the coding strand, the complement: MAP3K7 is on the minus strand). VCF-style: chr6-90516566-G-C. GRCh37 (hg19) VCF-style: chr6-91226285-G-C.
Other names: c.1675C>G, p.Gln559Glu (NM_003188.4); c.*83C>G (NM_145332.3, NM_145333.3); short protein forms Q586E, Q559E.
Identifiers: ClinVar variation 3017757 (VCV003017757.3), dbSNP rs149129500, ClinGen allele CA3928276.
Genomic context (GRCh38, chr6:90,516,566, plus strand): 5'-AAGTGCCTTGTCGTTTCTGCTGCTGACTTCTGATGACCTCTAGTTGTTTTTTGCATTGCT[G>C]GTAGTAAGTAGAAAGGCTTTTGTTTTCATCTAAAAGCTTTTTATGTTCCTGTACCAGGCG-3'
Protein context (NP_663304.1, residues 576-596): DENKSLSTYY[Gln586Glu]QCKKQLEVIR